The following is an entry in ClinVar:

NM_138694.4(PKHD1):c.3364+3A>T

Gene: PKHD1 (PKHD1 ciliary IPT domain containing fibrocystin/polyductin; minus strand). Cytogenetic location: 6p12.2.
Variant type: single nucleotide variant.
Coding change: c.3364+3A>T on transcript NM_138694.4 (MANE Select); 3 bases into the intron after coding-DNA position 3364, A replaced by T.
Molecular consequence: intron variant.
Genome position (GRCh38, 1-based): chr6:52,033,027, T>A on the plus strand (A>T on the coding strand, the complement: PKHD1 is on the minus strand). VCF-style: chr6-52033027-T-A. GRCh37 (hg19) VCF-style: chr6-51897825-T-A.
Other names: c.3364+3A>T (NM_170724.3).
Identifiers: ClinVar variation 4075757 (VCV004075757.2).

ClinVar aggregate classification (germline): Uncertain significance. Review status: criteria provided, single submitter (1 of 4 stars). 2 submissions from 2 submitters: Uncertain significance (1). 1 of the submissions does not count toward it. Last evaluated 2026-05-11.

Conditions:
Polycystic kidney disease 4, with or without hepatic disease.
Polycystic kidney disease 4 (PKD4). Also called: PKD3; Autosomal Recessive Polycystic Kidney Disease – PKHD1; POLYCYSTIC KIDNEY AND HEPATIC DISEASE 1; POLYCYSTIC KIDNEY DISEASE, INFANTILE, TYPE I; POLYCYSTIC KIDNEY DISEASE 4 WITH OR WITHOUT POLYCYSTIC LIVER DISEASE. Identifiers: MedGen C4540575, MONDO:0033004, OMIM 263200.

Submissions (2):

Myriad Genetics, Inc.
Classification: Uncertain significance for Polycystic kidney disease 4. Last evaluated: 2026-05-11. Review status: criteria provided, single submitter. Criteria: Myriad Autosomal Dominant, Autosomal Recessive and X-Linked Classification Criteria (2023). Collection method: clinical testing. Allele origin: unknown.
Comment: NM_138694.3(PKHD1):c.3364+3A>T is an intronic variant classified as a variant of uncertain significance in the context of autosomal recessive polycystic kidney disease, PKHD1-related. c.3364+3A>T has been observed in cases with relevant disease (PMID: 41089214, 33123899). Relevant functional assessments of this variant are available in the literature (PMID: 41089214). c.3364+3A>T has not been observed in referenced population frequency databases. In summary, there is insufficient evidence to classify NM_138694.3(PKHD1):c.3364+3A>T as pathogenic or benign. Please note: this variant was assessed in the context of healthy population screening.

Department of Reproductive Genetics, International Peace Maternity and Child Health Hospital, Shanghai Jiao Tong University School of Medicine
Classification: Likely pathogenic for Polycystic kidney disease 4, with or without hepatic disease. Last evaluated: 2025-05-01. Review status: no assertion criteria provided. Collection method: clinical testing. Allele origin: inherited. Affected: yes. Not counted in ClinVar's aggregate classification.
Comment: The variant was absent in control chromosomes in GnomAD project. This variant has been reported in one patient.(PMID:33123899)

Literature cited by the submitters: PubMed 33123899 (cited by Myriad Genetics, Inc. and Department of Reproductive Genetics, International Peace Maternity and Child Health Hospital, Shanghai Jiao Tong University School of Medicine); PubMed 41089214 (cited by Myriad Genetics, Inc.).